The following is an entry in ClinVar:

ClinVar aggregate classification (germline): Likely benign. Review status: criteria provided, multiple submitters, no conflicts (2 of 4 stars). 2 submissions from 2 submitters: Likely benign (2). Last evaluated 2018-06-16.

Allele frequency attached by ClinVar (database versions not stated): gnomAD exomes 0.00305 and 0.00510; ExAC 0.00536; 1000 Genomes Project 30x 0.01077; 1000 Genomes Project 0.01078; gnomAD 0.01189 and 0.01267; ESP Exome Variant Server 0.01300; TOPMed 0.01369.
gnomAD v4.1: 6,406 of 1,606,292 alleles (0.4%); highest among the groups gnomAD compares: African/African-American, 3.3%; 63 homozygotes.

Submissions (2):

GeneDx
Classification: Likely benign. Last evaluated: 2018-06-16. Review status: criteria provided, single submitter. Criteria: GeneDx Variant Classification (06012015). Collection method: clinical testing. Allele origin: germline. Affected: yes.
Comment: This variant is considered likely benign or benign based on one or more of the following criteria: it is a conservative change, it occurs at a poorly conserved position in the protein, it is predicted to be benign by multiple in silico algorithms, and/or has population frequency not consistent with disease.

Breakthrough Genomics
Classification: Likely benign. Review status: criteria provided, single submitter. Criteria: ACMG Guidelines, 2015. Collection method: not provided. Allele origin: germline. Inheritance: Autosomal dominant inheritance. Affected: yes.

NM_004281.4(BAG3):c.909+40A>G

Gene: BAG3 (BAG cochaperone 3; plus strand). Cytogenetic location: 10q26.11.
Variant type: single nucleotide variant.
Coding change: c.909+40A>G on transcript NM_004281.4 (MANE Select); 40 bases into the intron after coding-DNA position 909, A replaced by G.
Molecular consequence: intron variant.
Genome position (GRCh38, 1-based): chr10:119,672,696, A>G. VCF-style: chr10-119672696-A-G. GRCh37 (hg19) VCF-style: chr10-121432208-A-G.
Identifiers: ClinVar variation 675495 (VCV000675495.2), dbSNP rs143963426, ClinGen allele CA5716441.